The following is an entry in ClinVar:

NM_000271.5(NPC1):c.1553G>A (p.Arg518Gln)

Gene: NPC1 (NPC intracellular cholesterol transporter 1; minus strand). Cytogenetic location: 18q11.2.
Variant type: single nucleotide variant.
Coding change: c.1553G>A on transcript NM_000271.5 (MANE Select); coding-DNA position 1553, G replaced by A.
Protein change: p.Arg518Gln; replaces arginine 518 with glutamine.
Molecular consequence: missense variant.
Genome position (GRCh38, 1-based): chr18:23,554,758, C>T on the plus strand (G>A on the coding strand, the complement: NPC1 is on the minus strand). VCF-style: chr18-23554758-C-T. GRCh37 (hg19) VCF-style: chr18-21134722-C-T.
Other names: 1553G-A; short protein forms R518Q.
Identifiers: ClinVar variation 132890 (VCV000132890.24), dbSNP rs483352886, ClinGen allele CA269819.

ClinVar aggregate classification (germline): Pathogenic. Review status: criteria provided, multiple submitters, no conflicts (2 of 4 stars). 11 submissions from 11 submitters: Pathogenic (8). 3 of the submissions do not count toward it. Last evaluated 2026-02-08.

Conditions:
Niemann-Pick disease, type C (NPC). Identifiers: Orphanet 646, MedGen C0220756, MONDO:0018982.
Niemann-Pick disease, type C1. Also called: NIEMANN-PICK DISEASE, VARIANT TYPE C1; NEUROVISCERAL STORAGE DISEASE WITH VERTICAL SUPRANUCLEAR OPHTHALMOPLEGIA; NIEMANN-PICK DISEASE WITH CHOLESTEROL ESTERIFICATION BLOCK; NIEMANN-PICK DISEASE WITHOUT SPHINGOMYELINASE DEFICIENCY; NIEMANN-PICK DISEASE, CHRONIC NEURONOPATHIC FORM. Identifiers: Orphanet 646, MedGen C3179455, MONDO:0009757, OMIM 257220.

Submissions (11):

GeneDx
Classification: Pathogenic. Last evaluated: 2026-02-08. Review status: criteria provided, single submitter. Criteria: GeneDx Variant Classification Process June 2021. Collection method: clinical testing. Allele origin: germline. Affected: yes.
Comment: Published functional studies demonstrate decreased binding of p.(R518Q) to NPC2 (PMID: 22065762); Not observed at significant frequency in large population cohorts (gnomAD); Published functional studies suggest R518Q leads to incomplete alternative splicing resulting in loss of function transcript (PMID: 10480349); Observed with a second NPC1 variant in unrelated patients with Niemann-Pick disease type C in the published literature, but it is not known whether the variants occurred on the same (in cis) or on different (in trans) chromosomes in some of these cases (PMID: 26666848, 32482919); This variant is associated with the following publications: (PMID: 26666848, 24001525, 10480349, 32138288, 35850050, 11333381, 24915861, 11182931, 22065762, 15130691, 37480097, 32482919)

Natera, Inc.
Classification: Pathogenic for Niemann-Pick disease type C1. Last evaluated: 2024-11-18. Review status: criteria provided, single submitter. Criteria: Natera Variant Classification Schema (03/2026). Collection method: clinical testing. Allele origin: germline.
Comment: The c.1553G>A variant in NPC1 is a missense variant predicted to cause substitution of arginine to glutamine at amino acid 518. This variant is rare in the general population with a frequency below the threshold expected for the associated phenotype(s). This variant has been observed in one or more individuals affected with the associated recessive disease, as either homozygous or compound heterozygous with a second variant (PMID: 26666848, 24915861). Additionally, this variant has been observed to segregate in affected family members (PMID: 24915861). Given the available evidence, this variant is classified as Pathogenic.

3billion
Classification: Pathogenic for Niemann-Pick disease, type C1. Last evaluated: 2024-06-07. Review status: criteria provided, single submitter. Criteria: ACMG Guidelines, 2015. Collection method: clinical testing. Allele origin: germline. Affected: yes.
Comment: The variant is observed at an extremely low frequency in the gnomAD v4.0.0 dataset (total allele frequency: <0.001%). Predicted Consequence/Location: Missense variant Functional studies provide strong evidence of the variant having a damaging effect on the gene or gene product (PMID: 32880929, 35850050). The same nucleotide change resulting in the same amino acid change has been previously reported as pathogenic/likely pathogenic with strong evidence (ClinVar ID: VCV000132890 /PMID: 24001525). The variant has been reported to be in trans with a pathogenic variant as either compound heterozygous or homozygous in at least one similarly affected unrelated individual (PMID: 32482919). A different missense change at the same codon (p.Arg518Trp) has been reported as pathogenic/likely pathogenic with strong evidence (ClinVar ID: VCV000550874 /PMID: 11479732). Therefore, this variant is classified as Pathogenic according to the recommendation of ACMG/AMP guideline.

Genetic Services Laboratory, University of Chicago
Classification: Pathogenic. Last evaluated: 2024-03-20. Review status: criteria provided, single submitter. Criteria: ACMG Guidelines, 2015. Collection method: clinical testing. Allele origin: germline. Affected: yes.
Comment: DNA sequence analysis of the NPC1 gene demonstrated a sequence change, c.1553G>A, in exon 9 that results in an amino acid change, p.Arg518Gln. The p.Arg518Gln change affects a moderately conserved amino acid residue located in a domain of the NPC1 protein that is known to be functional. This pathogenic sequence change has previously been described in the compound heterozygous state with a second pathogenic variant in several individuals with Niemann-Pick disease type C (PMID: 32482919, 10480349). Functional studies indicate that this sequence change leads to altered splicing resulting in premature termination (PMID: 15130691, 10480349). This sequence change has been described in the gnomAD database with a frequency of 0.0002% in the overall population (dbSNP rs483352886). The p.Arg518Gln amino acid change occurs in a region of the NPC1 gene where other missense sequence changes have been described in individuals with NPC1-related disorders. Collectively, this evidence indicates that this sequence change is pathogenic.

Labcorp Genetics (formerly Invitae), Labcorp
Classification: Pathogenic for Niemann-Pick disease, type C1. Last evaluated: 2023-05-22. Review status: criteria provided, single submitter. Criteria: Invitae Variant Classification Sherloc (09022015). Collection method: clinical testing. Allele origin: germline.
Comment: For these reasons, this variant has been classified as Pathogenic. Variants that disrupt the consensus splice site are a relatively common cause of aberrant splicing (PMID: 17576681, 9536098). Studies have shown that this missense change results in exon 9 and introduces a premature termination codon (PMID: 10480349). The resulting mRNA is expected to undergo nonsense-mediated decay. An algorithm developed to predict the effect of missense changes on protein structure and function (PolyPhen-2) suggests that this variant¬† is likely to be tolerated. ClinVar contains an entry for this variant (Variation ID: 132890). This missense change has been observed in individuals with Niemann-Pick disease type C (PMID: 10480349, 24001525). This variant is present in population databases (rs483352886, gnomAD 0.0009%). This sequence change replaces arginine, which is basic and polar, with glutamine, which is neutral and polar, at codon 518 of the NPC1 protein (p.Arg518Gln). RNA analysis indicates that this missense change induces altered splicing and may result in an absent or disrupted protein product.

Women's Health and Genetics/Laboratory Corporation of America, LabCorp
Classification: Pathogenic for Niemann-Pick disease, type C. Last evaluated: 2021-12-30. Review status: criteria provided, single submitter. Criteria: LabCorp Variant Classification Summary - May 2015. Collection method: clinical testing. Allele origin: germline.
Comment: Variant summary: NPC1 c.1553G>A (p.Arg518Gln) results in a conservative amino acid change in the encoded protein sequence. Four of five in-silico tools predict a benign effect of the variant on protein function. Several computational tools predict a significant impact on normal splicing: Four predict the variant weakens a 5' donor site. Experimental studies have shown the variant to result in abberant splicing resulting in a premature termination (Yamamoto_1999). The variant allele was found at a frequency of 4e-06 in 250980 control chromosomes. c.1553G>A has been reported in the literature in multiple individuals affected with Niemann-Pick Disease Type C (Yamamoto_1999, Dardis_2020, Mahmoud_2019, etc). These data indicate that the variant is very likely to be associated with disease. One clinical diagnostic laboratory has submitted clinical-significance assessments for this variant to ClinVar after 2014 without evidence for independent evaluation. One laboratory classified the variant as pathogenic. Based on the evidence outlined above, the variant was classified as pathogenic.

Eurofins Ntd Llc (ga)
Classification: Pathogenic. Last evaluated: 2016-01-29. Review status: criteria provided, single submitter. Criteria: EGL Classification Definitions 2015. Collection method: clinical testing. Allele origin: germline. Observed: 1 variant allele, 1 heterozygote.

Neuberg Centre For Genomic Medicine, NCGM
Classification: Pathogenic for Niemann-Pick disease, type C1. Review status: criteria provided, single submitter. Criteria: ACMG Guidelines, 2015. Collection method: clinical testing. Allele origin: germline. Inheritance: Autosomal recessive inheritance. Affected: yes.
Comment: The c.1553G>A (p.Arg518Gln) variant in NPC1 gene has been reported in multiple individuals affected with Niemann-Pick Disease Type C (Dardis et al., 2020; Mahmoud et al., 2019). Experimental studies have shown the variant to result in aberrant splicing resulting in a premature termination (Yamamoto et al.,1999). This variant is reported with the allele frequency (0.0003%) in the gnomAD and novel in 1000 genome database. It has been submitted to ClinVar with varying interpretations: Pathogenic/Likely Pathogenic. The amino acid Arg at position 518 is changed to a Gln changing protein sequence and it might alter its composition and physico-chemical properties. The amino acid change p.Arg518Gln in NPC1 is predicted as conserved by GERP++ and PhyloP across 100 vertebrates. For these reasons, this variant has been classified as Pathogenic.

Counsyl
Classification: Likely pathogenic for Niemann-Pick disease type C1. Last evaluated: 2014-11-17. Review status: no assertion criteria provided. Collection method: literature only. Allele origin: unknown. Inheritance: Autosomal recessive inheritance. Not counted in ClinVar's aggregate classification.

OMIM
Classification: Pathogenic for NIEMANN-PICK DISEASE, TYPE C1. Last evaluated: 1999-07-01. Review status: no assertion criteria provided. Collection method: literature only. Allele origin: germline. Not counted in ClinVar's aggregate classification.

Shanghain Institute for Pediatric Research
Classification: Pathogenic for Niemann-Pick disease type C1. Review status: no assertion criteria provided. Collection method: not provided. Allele origin: germline. Not counted in ClinVar's aggregate classification.
ClinVar note: Converted during submission from pathogenic to Pathogenic.

Literature cited by the submitters: PubMed 26666848 (cited by Natera, Inc.); PubMed 24915861 (cited by Natera, Inc. and Counsyl); PubMed 35850050 (cited by 3billion); PubMed 11479732 (cited by 3billion); PubMed 32482919 (cited by 3billion); PubMed 32880929 (cited by 3billion); PubMed 24001525 (cited by 3 submitters); PubMed 17576681 (cited by Labcorp Genetics (formerly Invitae), Labcorp); PubMed 9536098 (cited by Labcorp Genetics (formerly Invitae), Labcorp); PubMed 10480349 (cited by 4 submitters); PubMed 30633340 (cited by Women's Health and Genetics/Laboratory Corporation of America, LabCorp); PubMed 32138288 (cited by Women's Health and Genetics/Laboratory Corporation of America, LabCorp); PubMed 11182931 (cited by Counsyl); PubMed 15130691 (cited by Counsyl); PubMed 22065762 (cited by Counsyl); PubMed 11333381 (cited by Counsyl).